The following is an entry in ClinVar:

ClinVar aggregate classification (germline): Pathogenic (1 of 4 stars; one submission).

Conditions:
Arrhythmogenic right ventricular dysplasia 9 (ARVD9). Also called: Arrhythmogenic Right Ventricular Dysplasia/Cardiomyopathy 9; ARRHYTHMOGENIC RIGHT VENTRICULAR DYSPLASIA, FAMILIAL, 9. Identifiers: MedGen C1836906, MONDO:0012180, OMIM 609040.

Submission:

Labcorp Genetics (formerly Invitae), Labcorp
Classification: Pathogenic for Arrhythmogenic right ventricular dysplasia 9. Last evaluated: 2021-08-12. Review status: criteria provided, single submitter. Criteria: Invitae Variant Classification Sherloc (09022015). Collection method: clinical testing. Allele origin: germline.
Comment: This variant is a gross deletion of the genomic region encompassing exon(s) 12-14 of the PKP2 gene, which includes the termination codon. This deletion extends beyond the assayed region for this gene and therefore may encompass additional genes. While this deletion is not anticipated to lead to nonsense mediated decay, it is expected to alter mRNA translation or result in a truncated protein product. A similar copy number variant has been observed in individual(s) with arrhythmogenic right ventricular cardiomyopathy (PMID: 29343803). The region of the PKP2 gene that includes exon(s) 12 has been determined to be clinically significant (Invitae). Therefore, deletions that encompass that region are likely to be disease-causing. For these reasons, this variant has been classified as Pathogenic.

Literature cited by the submitters: PubMed 29343803.

NC_000012.11:g.(?_32945358)_(32949252_?)del

Gene: PKP2 (plakophilin 2; minus strand). Cytogenetic location: 12p11.21.
Variant type: Deletion.
Identifiers: ClinVar variation 2425173 (VCV002425173.3).